The following is an entry in ClinVar:

NM_001113378.2(FANCI):c.3058+1G>A

Gene: FANCI (FA complementation group I; plus strand). Cytogenetic location: 15q26.1.
Variant type: single nucleotide variant.
Coding change: c.3058+1G>A on transcript NM_001113378.2 (MANE Select); the canonical splice donor site of the intron after coding-DNA position 3058, G replaced by A.
Molecular consequence: splice donor variant.
Genome position (GRCh38, 1-based): chr15:89,303,916, G>A. VCF-style: chr15-89303916-G-A. GRCh37 (hg19) VCF-style: chr15-89847147-G-A.
Other names: c.2878+1G>A (NM_018193.3); c.3058+1G>A (NM_001376911.1); c.2779+1G>A (NM_001376910.1).
Identifiers: ClinVar variation 929730 (VCV000929730.7), dbSNP rs149464307, ClinGen allele CA7723569.

ClinVar aggregate classification (germline): Likely pathogenic. Review status: criteria provided, multiple submitters, no conflicts (2 of 4 stars). 3 submissions from 3 submitters: Likely pathogenic (2). 1 of the submissions does not count toward it. Last evaluated 2024-12-17.

Conditions:
Fanconi anemia (FA). Also called: Fanconi's anemia. Identifiers: Orphanet 84, MedGen C0015625, MeSH D005199, MONDO:0019391.
Fanconi anemia complementation group I (FANCI). Also called: FANCI-Related Fanconi Anemia. Identifiers: Orphanet 84, MedGen C1836861, MONDO:0012186, OMIM 609053.

Allele frequency attached by ClinVar (database versions not stated): ExAC 0.00001; gnomAD 0.00001; gnomAD exomes 0.00001; TOPMed 0.00001; ESP Exome Variant Server 0.00008.
gnomAD v4.1: 7 of 1,613,710 alleles (0.00043%); highest among the groups gnomAD compares: Non-Finnish European, 0.00059%; no homozygotes.

Submissions (3):

Labcorp Genetics (formerly Invitae), Labcorp
Classification: Likely pathogenic for Fanconi anemia. Last evaluated: 2024-12-17. Review status: criteria provided, single submitter. Criteria: Invitae Variant Classification Sherloc (09022015). Collection method: clinical testing. Allele origin: germline.
Comment: This sequence change affects a donor splice site in intron 28 of the FANCI gene. It is expected to disrupt RNA splicing. Variants that disrupt the donor or acceptor splice site typically lead to a loss of protein function (PMID: 16199547), and loss-of-function variants in FANCI are known to be pathogenic (PMID: 17452773, 17460694). This variant is present in population databases (rs149464307, gnomAD 0.002%). Disruption of this splice site has been observed in individual(s) with Fanconi anemia (PMID: 36513378). ClinVar contains an entry for this variant (Variation ID: 929730). Algorithms developed to predict the effect of sequence changes on RNA splicing suggest that this variant may disrupt the consensus splice site. In summary, the currently available evidence indicates that the variant is pathogenic, but additional data are needed to prove that conclusively. Therefore, this variant has been classified as Likely Pathogenic.

Baylor Genetics
Classification: Likely pathogenic for Fanconi anemia complementation group I. Last evaluated: 2024-03-17. Review status: criteria provided, single submitter. Criteria: ACMG Guidelines, 2015. Collection method: clinical testing. Allele origin: unknown.

Leiden Open Variation Database
Classification: Pathogenic for Fanconi anemia complementation group I. Last evaluated: 2011-02-07. Review status: no assertion criteria provided. Collection method: curation. Allele origin: germline. Affected: yes. Not counted in ClinVar's aggregate classification.
Comment: Curator: Arleen D. Auerbach. Submitter to LOVD: Arleen D. Auerbach.

Literature cited by the submitters: PubMed 16199547 (cited by Labcorp Genetics (formerly Invitae), Labcorp); PubMed 17452773 (cited by Labcorp Genetics (formerly Invitae), Labcorp); PubMed 17460694 (cited by Labcorp Genetics (formerly Invitae), Labcorp); PubMed 36513378 (cited by Labcorp Genetics (formerly Invitae), Labcorp).